The following is an entry in ClinVar:

NM_001039141.3(TRIOBP):c.4432G>C (p.Gly1478Arg)

Gene: TRIOBP (TRIO and F-actin binding protein; plus strand). Cytogenetic location: 22q13.1.
Variant type: single nucleotide variant.
Coding change: c.4432G>C on transcript NM_001039141.3 (MANE Select); coding-DNA position 4432, G replaced by C.
Protein change: p.Gly1478Arg; replaces glycine 1478 with arginine.
Molecular consequence: missense variant.
Genome position (GRCh38, 1-based): chr22:37,734,768, G>C. VCF-style: chr22-37734768-G-C. GRCh37 (hg19) VCF-style: chr22-38130775-G-C.
Other names: short protein forms G1478R.
Identifiers: ClinVar variation 3777407 (VCV003777407.1).

ClinVar aggregate classification (germline): Uncertain significance (1 of 4 stars; one submission).

gnomAD v4.1: 18 of 1,612,224 alleles (0.0011%); highest among the groups gnomAD compares: African/African-American, 0.0053%; no homozygotes.

Submission:

GeneDx
Classification: Uncertain significance. Last evaluated: 2024-10-14. Review status: criteria provided, single submitter. Criteria: GeneDx Variant Classification Process June 2021. Collection method: clinical testing. Allele origin: germline. Affected: yes.
Comment: In silico analysis indicates that this missense variant does not alter protein structure/function; Has not been previously published as pathogenic or benign to our knowledge